The following is an entry in ClinVar:

ClinVar aggregate classification (germline): Uncertain significance. Review status: criteria provided, multiple submitters, no conflicts (2 of 4 stars). 2 submissions from 2 submitters: Uncertain significance (2). Last evaluated 2024-12-15.

gnomAD v4.1: 2 of 1,613,034 alleles (0.00012%); highest among the groups gnomAD compares: East Asian, 0.0045%; no homozygotes.

Submissions (2):

Labcorp Genetics (formerly Invitae), Labcorp
Classification: Uncertain significance. Last evaluated: 2024-12-15. Review status: criteria provided, single submitter. Criteria: Invitae Variant Classification Sherloc (09022015). Collection method: clinical testing. Allele origin: germline.
Comment: This sequence change replaces serine, which is neutral and polar, with tyrosine, which is neutral and polar, at codon 152 of the ABRAXAS1 protein (p.Ser152Tyr). This variant is not present in population databases (gnomAD no frequency). This variant has not been reported in the literature in individuals affected with ABRAXAS1-related conditions. Invitae Evidence Modeling of protein sequence and biophysical properties (such as structural, functional, and spatial information, amino acid conservation, physicochemical variation, residue mobility, and thermodynamic stability) indicates that this missense variant is not expected to disrupt ABRAXAS1 protein function with a negative predictive value of 80%. In summary, the available evidence is currently insufficient to determine the role of this variant in disease. Therefore, it has been classified as a Variant of Uncertain Significance.

Ambry Genetics
Classification: Uncertain significance. Last evaluated: 2024-08-21. Review status: criteria provided, single submitter. Criteria: Ambry Variant Classification Scheme 2023. Collection method: clinical testing. Allele origin: germline.
Comment: The p.S152Y variant (also known as c.455C>A), located in coding exon 5 of the FAM175A gene, results from a C to A substitution at nucleotide position 455. The serine at codon 152 is replaced by tyrosine, an amino acid with dissimilar properties. This amino acid position is conserved. In addition, this alteration is predicted to be tolerated by in silico analysis. Based on the available evidence, the clinical significance of this variant remains unclear.

NM_139076.3(ABRAXAS1):c.455C>A (p.Ser152Tyr)

Gene: ABRAXAS1 (abraxas 1, BRCA1 A complex subunit; minus strand). Cytogenetic location: 4q21.23.
Variant type: single nucleotide variant.
Coding change: c.455C>A on transcript NM_139076.3 (MANE Select); coding-DNA position 455, C replaced by A.
Protein change: p.Ser152Tyr; replaces serine 152 with tyrosine.
Molecular consequence: missense variant.
Genome position (GRCh38, 1-based): chr4:83,470,224, G>T on the plus strand (C>A on the coding strand, the complement: ABRAXAS1 is on the minus strand). VCF-style: chr4-83470224-G-T. GRCh37 (hg19) VCF-style: chr4-84391377-G-T.
Other names: c.128C>A, p.Ser43Tyr (NM_001345962.2); short protein forms S152Y, S43Y.
Identifiers: ClinVar variation 3446745 (VCV003446745.3).